The following is an entry in ClinVar:

NM_000094.4(COL7A1):c.6761G>A (p.Gly2254Glu)

Gene: COL7A1 (collagen type VII alpha 1 chain; minus strand). Cytogenetic location: 3p21.31.
Variant type: single nucleotide variant.
Coding change: c.6761G>A on transcript NM_000094.4 (MANE Select); coding-DNA position 6761, G replaced by A.
Protein change: p.Gly2254Glu; replaces glycine 2254 with glutamic acid.
Molecular consequence: missense variant.
Genome position (GRCh38, 1-based): chr3:48,572,932, C>T on the plus strand (G>A on the coding strand, the complement: COL7A1 is on the minus strand). VCF-style: chr3-48572932-C-T. GRCh37 (hg19) VCF-style: chr3-48610365-C-T.
Other names: short protein forms G2254E.
Identifiers: ClinVar variation 1187792 (VCV001187792.8), dbSNP rs2107659875, ClinGen allele CA352654880.
Genomic context (GRCh38, chr3:48,572,932, plus strand): 5'-GGGCTCCCTCTGTCTCCATCTTTTCCACTGGCACCATCTCGACCTGGGGCTCCCGGCTTC[C>T]CTGTCTCCCCCTGAGAGGGAAGAGCTCTGTCAGGGCTGCCTGTCGACCCTTGACCCCTGG-3'
Protein context (NP_000085.1, residues 2244-2264): PGLPGQVGET[Gly2254Glu]KPGAPGRDGA

ClinVar aggregate classification (germline): Conflicting classifications of pathogenicity. Review status: criteria provided, conflicting classifications (1 of 4 stars). 3 submissions from 3 submitters: Pathogenic (1); Likely pathogenic (1); Uncertain significance (1). Last evaluated 2024-03-26.

Conditions:
Recessive dystrophic epidermolysis bullosa (RDEB). Also called: DYSTROPHIC EPIDERMOLYSIS BULLOSA, AUTOSOMAL RECESSIVE; EPIDERMOLYSIS BULLOSA DYSTROPHICA, HALLOPEAU-SIEMENS TYPE; severe generalized recessive dystrophic epidermolysis bullosa; Epidermolysis Bullosa Distrophica Autosomal Recessive (RDEB); Hallopeau-Siemens Disease; epidermolysis bullosa dystrophica, autosomal recessive. Identifiers: Orphanet 79408, Orphanet 79409, MedGen C0079474, MONDO:0009179, OMIM 226600.

Submissions (3):

Baylor Genetics
Classification: Likely pathogenic for Recessive dystrophic epidermolysis bullosa. Last evaluated: 2024-03-26. Review status: criteria provided, single submitter. Criteria: ACMG Guidelines, 2015. Collection method: clinical testing. Allele origin: unknown.

Labcorp Genetics (formerly Invitae), Labcorp
Classification: Uncertain significance. Last evaluated: 2023-09-08. Review status: criteria provided, single submitter. Criteria: Invitae Variant Classification Sherloc (09022015). Collection method: clinical testing. Allele origin: germline.
Comment: In summary, the available evidence is currently insufficient to determine the role of this variant in disease. Therefore, it has been classified as a Variant of Uncertain Significance. This variant disrupts the triple helix domain of COL7A1. Glycine residues within the Gly-Xaa-Yaa repeats of the triple helix domain are required for the structure and stability of fibrillar collagens (PMID: 7695699, 8218237, 19344236), and variants at these glycine residues in COL7A1 are more frequently observed in individuals with disease than in the general population (PMID: 22058051). However, the clinical significance of this observation remains uncertain since only a limited number of affected individuals have been described to date. Advanced modeling of protein sequence and biophysical properties (such as structural, functional, and spatial information, amino acid conservation, physicochemical variation, residue mobility, and thermodynamic stability) performed at Invitae indicates that this missense variant is expected to disrupt COL7A1 protein function. ClinVar contains an entry for this variant (Variation ID: 1187792). This variant has not been reported in the literature in individuals affected with COL7A1-related conditions. This variant is not present in population databases (gnomAD no frequency). This sequence change replaces glycine, which is neutral and non-polar, with glutamic acid, which is acidic and polar, at codon 2254 of the COL7A1 protein (p.Gly2254Glu).

GeneDx
Classification: Pathogenic. Last evaluated: 2022-08-24. Review status: criteria provided, single submitter. Criteria: GeneDx Variant Classification Process June 2021. Collection method: clinical testing. Allele origin: germline. Affected: yes.
Comment: Located in the highly conserved Gly-X-Y repeat of the collagenous domain; Glycine substitution variants in this region of the COLVII protein destabilize the collagen triple helix resulting in skin fragility due to poor anchoring of the basement membrane to the underlying dermis (Pfendner and Lucky, 2018); Not observed at significant frequency in large population cohorts (gnomAD); In silico analysis supports that this missense variant has a deleterious effect on protein structure/function; Has not been previously published as pathogenic or benign to our knowledge

Literature cited by the submitters: PubMed 7695699 (cited by Labcorp Genetics (formerly Invitae), Labcorp); PubMed 8218237 (cited by Labcorp Genetics (formerly Invitae), Labcorp); PubMed 19344236 (cited by Labcorp Genetics (formerly Invitae), Labcorp); PubMed 22058051 (cited by Labcorp Genetics (formerly Invitae), Labcorp).